The following is an entry in ClinVar:

ClinVar aggregate classification (germline): Uncertain significance. Review status: criteria provided, multiple submitters, no conflicts (2 of 4 stars). 3 submissions from 3 submitters: Uncertain significance (3). Last evaluated 2025-02-03.

Conditions:
Hereditary cancer-predisposing syndrome. Also called: Tumor predisposition; Neoplastic Syndromes, Hereditary; Hereditary neoplastic syndrome; Hereditary Cancer Syndrome. Identifiers: Orphanet 140162, MedGen C0027672, MeSH D009386, MONDO:0015356.
EGFR-related lung cancer (EGFR). Identifiers: MedGen CN130014.

Submissions (3):

Ambry Genetics
Classification: Uncertain significance for Hereditary cancer-predisposing syndrome. Last evaluated: 2025-02-03. Review status: criteria provided, single submitter. Criteria: Ambry Variant Classification Scheme 2023. Collection method: clinical testing. Allele origin: germline.
Comment: The p.Q894H variant (also known as c.2682G>C), located in coding exon 22 of the EGFR gene, results from a G to C substitution at nucleotide position 2682. The glutamine at codon 894 is replaced by histidine, an amino acid with highly similar properties. This amino acid position is conserved. In addition, the in silico prediction for this alteration is inconclusive. Based on the available evidence, the clinical significance of this variant remains unclear.

Labcorp Genetics (formerly Invitae), Labcorp
Classification: Uncertain significance for EGFR-related lung cancer. Last evaluated: 2024-09-17. Review status: criteria provided, single submitter. Criteria: Invitae Variant Classification Sherloc (09022015). Collection method: clinical testing. Allele origin: germline.
Comment: This sequence change replaces glutamine, which is neutral and polar, with histidine, which is basic and polar, at codon 894 of the EGFR protein (p.Gln894His). This variant is not present in population databases (gnomAD no frequency). This variant has not been reported in the literature in individuals affected with EGFR-related conditions. ClinVar contains an entry for this variant (Variation ID: 1018297). Invitae Evidence Modeling of protein sequence and biophysical properties (such as structural, functional, and spatial information, amino acid conservation, physicochemical variation, residue mobility, and thermodynamic stability) indicates that this missense variant is expected to disrupt EGFR protein function with a positive predictive value of 80%. In summary, the available evidence is currently insufficient to determine the role of this variant in disease. Therefore, it has been classified as a Variant of Uncertain Significance.

Quest Diagnostics Nichols Institute San Juan Capistrano
Classification: Uncertain significance. Last evaluated: 2023-06-26. Review status: criteria provided, single submitter. Criteria: Quest Diagnostics criteria. Collection method: clinical testing. Allele origin: unknown.
Comment: This variant has not been reported in the published literature. It also has not been reported in large, multi-ethnic general populations (Genome Aggregation Database). Analysis of this variant using bioinformatics tools for the prediction of the effect of amino acid changes on protein structure and function yielded predictions that this variant is damaging. Based on the available information, we are unable to determine the clinical significance of this variant.

NM_005228.5(EGFR):c.2682G>C (p.Gln894His)

Gene: EGFR (epidermal growth factor receptor; plus strand). Cytogenetic location: 7p11.2.
Variant type: single nucleotide variant.
Coding change: c.2682G>C on transcript NM_005228.5 (MANE Select); coding-DNA position 2682, G replaced by C.
Protein change: p.Gln894His; replaces glutamine 894 with histidine.
Molecular consequence: missense variant.
Genome position (GRCh38, 1-based): chr7:55,192,822, G>C. VCF-style: chr7-55192822-G-C. GRCh37 (hg19) VCF-style: chr7-55260515-G-C.
Other names: c.2547G>C, p.Gln849His (NM_001346897.2, NM_001346899.2); c.2682G>C, p.Gln894His (NM_001346898.2); c.2523G>C, p.Gln841His (NM_001346900.2); c.1881G>C, p.Gln627His (NM_001346941.2); c.2682G>C (NM_005228.4, NM_005228.3); short protein forms Q627H, Q841H, Q849H, Q894H.
Identifiers: ClinVar variation 1018297 (VCV001018297.10), dbSNP rs749270913, ClinGen allele CA367580931.